The following is an entry in ClinVar:

NM_000059.4(BRCA2):c.5691G>C (p.Leu1897Phe)

Gene: BRCA2 (BRCA2 DNA repair associated; plus strand). Cytogenetic location: 13q13.1.
Variant type: single nucleotide variant.
Coding change: c.5691G>C on transcript NM_000059.4 (MANE Select); coding-DNA position 5691, G replaced by C.
Protein change: p.Leu1897Phe; replaces leucine 1897 with phenylalanine.
Molecular consequence: missense variant. On other transcripts: non-coding transcript variant (1), intron variant (2).
Genome position (GRCh38, 1-based): chr13:32,340,046, G>C. VCF-style: chr13-32340046-G-C. GRCh37 (hg19) VCF-style: chr13-32914183-G-C.
Other names: c.5691G>C, p.Leu1897Phe (NM_001406719.1, NM_001406720.1, NM_001432077.1); c.1910-4512G>C (NM_001406721.1); c.425-4512G>C (NM_001406722.1); short protein forms L1897F.
Identifiers: ClinVar variation 3636498 (VCV003636498.2).
Genomic context (GRCh38, chr13:32,340,046, plus strand): 5'-CAACGAGAATAAATCAAAAATTTGCCAAACGAAAATTATGGCAGGTTGTTACGAGGCATT[G>C]GATGATTCAGAGGATATTCTTCATAACTCTCTAGATAATGATGAATGTAGCACGCATTCA-3'
Protein context (NP_000050.3, residues 1887-1907): TKIMAGCYEA[Leu1897Phe]DDSEDILHNS

ClinVar aggregate classification (germline): Uncertain significance (1 of 4 stars; one submission).

Conditions:
Hereditary breast ovarian cancer syndrome. Also called: Hereditary breast and ovarian cancer syndrome; Hereditary breast and ovarian cancer syndrome (HBOC); BRCA1- and BRCA2-Associated Hereditary Breast and Ovarian Cancer; Hereditary breast and ovarian cancer; Breast and ovarian cancer; Hereditary breast and/or ovarian cancer syndrome. Identifiers: Orphanet 145, MedGen C0677776, MeSH D061325, MONDO:0003582. Disease mechanism: loss of function.

Submission:

Labcorp Genetics (formerly Invitae), Labcorp
Classification: Uncertain significance for Hereditary breast ovarian cancer syndrome. Last evaluated: 2024-03-23. Review status: criteria provided, single submitter. Criteria: Invitae Variant Classification Sherloc (09022015). Collection method: clinical testing. Allele origin: germline.
Comment: This sequence change replaces leucine, which is neutral and non-polar, with phenylalanine, which is neutral and non-polar, at codon 1897 of the BRCA2 protein (p.Leu1897Phe). This variant is not present in population databases (gnomAD no frequency). This variant has not been reported in the literature in individuals affected with BRCA2-related conditions. Advanced modeling of protein sequence and biophysical properties (such as structural, functional, and spatial information, amino acid conservation, physicochemical variation, residue mobility, and thermodynamic stability) performed at Invitae indicates that this missense variant is not expected to disrupt BRCA2 protein function with a negative predictive value of 95%. In summary, the available evidence is currently insufficient to determine the role of this variant in disease. Therefore, it has been classified as a Variant of Uncertain Significance.